The following is an entry in ClinVar:

NM_000944.5(PPP3CA):c.740A>G (p.His247Arg)

Gene: PPP3CA (protein phosphatase 3 catalytic subunit alpha; minus strand). Cytogenetic location: 4q24.
Variant type: single nucleotide variant.
Coding change: c.740A>G on transcript NM_000944.5 (MANE Select); coding-DNA position 740, A replaced by G.
Protein change: p.His247Arg; replaces histidine 247 with arginine.
Molecular consequence: missense variant.
Genome position (GRCh38, 1-based): chr4:101,093,818, T>C on the plus strand (A>G on the coding strand, the complement: PPP3CA is on the minus strand). VCF-style: chr4-101093818-T-C. GRCh37 (hg19) VCF-style: chr4-102014975-T-C.
Other names: c.740A>G, p.His247Arg (NM_001130691.2, NM_001130692.2); short protein forms H247R.
Identifiers: ClinVar variation 1502187 (VCV001502187.8), dbSNP rs2110249823, ClinGen allele CA357949168.
Genomic context (GRCh38, chr4:101,093,818, plus strand): 5'-CAAGTTCTCTATTCTTACCTGTAGAAGTATGAACACCCCCTGACTGTGTTGTGAGTGAAA[T>C]GTTCCTGAGTCTTCTCATTTCCAAAATCTTCCAGGGGGTCTGACCACAGGATATCACACA-3'
Protein context (NP_000935.1, residues 237-257): EDFGNEKTQE[His247Arg]FTHNTVRGCS

ClinVar aggregate classification (germline): Uncertain significance (1 of 4 stars; one submission).

Submission:

Labcorp Genetics (formerly Invitae), Labcorp
Classification: Uncertain significance. Last evaluated: 2024-12-15. Review status: criteria provided, single submitter. Criteria: Invitae Variant Classification Sherloc (09022015). Collection method: clinical testing. Allele origin: germline.
Comment: This sequence change replaces histidine, which is basic and polar, with arginine, which is basic and polar, at codon 247 of the PPP3CA protein (p.His247Arg). This variant is not present in population databases (gnomAD no frequency). This variant has not been reported in the literature in individuals affected with PPP3CA-related conditions. ClinVar contains an entry for this variant (Variation ID: 1502187). Invitae Evidence Modeling of protein sequence and biophysical properties (such as structural, functional, and spatial information, amino acid conservation, physicochemical variation, residue mobility, and thermodynamic stability) indicates that this missense variant is not expected to disrupt PPP3CA protein function with a negative predictive value of 80%. In summary, the available evidence is currently insufficient to determine the role of this variant in disease. Therefore, it has been classified as a Variant of Uncertain Significance.